The following is an entry in ClinVar:

ClinVar aggregate classification (germline): Uncertain significance. Review status: criteria provided, multiple submitters, no conflicts (2 of 4 stars). 2 submissions from 2 submitters: Uncertain significance (2). Last evaluated 2024-10-18.

Conditions:
Cardiovascular phenotype. Identifiers: MedGen CN230736.
Autosomal recessive limb-girdle muscular dystrophy type 2J (LGMDR10). Also called: Limb-girdle muscular dystrophy, type 2J; MUSCULAR DYSTROPHY, LIMB-GIRDLE, AUTOSOMAL RECESSIVE 10. Identifiers: Orphanet 140922, MedGen C1837342, MONDO:0012127, OMIM 608807.
Dilated cardiomyopathy 1G (CMD1G). Identifiers: Orphanet 154, MedGen C1858763, MONDO:0011400, OMIM 604145.

Allele frequency attached by ClinVar (database versions not stated): TOPMed below 0.00001; ExAC 0.00001; gnomAD 0.00001; gnomAD exomes 0.00001; 1000 Genomes Project 30x 0.00016; 1000 Genomes Project 0.00020.
gnomAD v4.1: 14 of 1,613,934 alleles (0.00087%); highest among the groups gnomAD compares: African/African-American, 0.0013%; no homozygotes.

Submissions (2):

Labcorp Genetics (formerly Invitae), Labcorp
Classification: Uncertain significance for Dilated cardiomyopathy 1G; Autosomal recessive limb-girdle muscular dystrophy type 2J. Last evaluated: 2024-10-18. Review status: criteria provided, single submitter. Criteria: Invitae Variant Classification Sherloc (09022015). Collection method: clinical testing. Allele origin: germline.
Comment: This sequence change replaces aspartic acid, which is acidic and polar, with glycine, which is neutral and non-polar, at codon 33785 of the TTN protein (p.Asp33785Gly). This variant is present in population databases (rs573767187, gnomAD 0.004%). This variant has not been reported in the literature in individuals affected with TTN-related conditions. ClinVar contains an entry for this variant (Variation ID: 1758800). Experimental studies and prediction algorithms are not available or were not evaluated, and the functional significance of this variant is currently unknown. This variant is located in the M band of TTN (PMID: 25589632). Non-truncating variants in this region may be relevant for neuromuscular disorders, but have not been definitively shown to cause cardiomyopathy (PMID: 23975875). In summary, the available evidence is currently insufficient to determine the role of this variant in disease. Therefore, it has been classified as a Variant of Uncertain Significance.

Ambry Genetics
Classification: Uncertain significance for Cardiovascular phenotype. Last evaluated: 2019-12-21. Review status: criteria provided, single submitter. Criteria: Ambry Variant Classification Scheme 2023. Collection method: clinical testing. Allele origin: germline.
Comment: The p.D24720G variant (also known as c.74159A>G), located in coding exon 185 of the TTN gene, results from an A to G substitution at nucleotide position 74159. The aspartic acid at codon 24720 is replaced by glycine, an amino acid with similar properties. This amino acid position is highly conserved in available vertebrate species. In addition, this alteration is predicted to be tolerated by in silico analysis. Since supporting evidence is limited at this time, the clinical significance of this alteration remains unclear.

Literature cited by the submitters: PubMed 25589632 (cited by Labcorp Genetics (formerly Invitae), Labcorp); PubMed 23975875 (cited by Labcorp Genetics (formerly Invitae), Labcorp).

NM_001267550.2(TTN):c.101354A>G (p.Asp33785Gly)

Genes: TTN (titin; minus strand), TTN-AS1 (TTN antisense RNA 1; plus strand). Cytogenetic location: 2q31.2.
Variant type: single nucleotide variant.
Coding change: c.101354A>G on transcript NM_001267550.2 (MANE Select); coding-DNA position 101354, A replaced by G.
Protein change: p.Asp33785Gly; replaces aspartic acid 33785 with glycine.
Molecular consequence: missense variant.
Genome position (GRCh38, 1-based): chr2:178,535,261, T>C on the plus strand (A>G on the coding strand, the complement: TTN is on the minus strand). VCF-style: chr2-178535261-T-C. GRCh37 (hg19) VCF-style: chr2-179399988-T-C.
Other names: c.96431A>G, p.Asp32144Gly (NM_001256850.1); c.74159A>G, p.Asp24720Gly (NM_003319.4); c.93650A>G, p.Asp31217Gly (NM_133378.4); c.74534A>G, p.Asp24845Gly (NM_133432.3); c.74735A>G, p.Asp24912Gly (NM_133437.4); short protein forms D33785G, D24720G, D24845G, D24912G, D31217G, D32144G.
Identifiers: ClinVar variation 1758800 (VCV001758800.7), dbSNP rs573767187, ClinGen allele CA1985898.
Genomic context (GRCh38, chr2:178,535,261, plus strand): 5'-GTCATGGAGACTTCCCTGGTTTCATCTACCTCTTCATCATAGTTCATAGCTCTGGTCTTA[T>C]CTTCTTTGGTTATGGTTGGTTCTGAAGGCTCTGAAGGCTTGCTCAGACCAAATTTATTTT-3'
Protein context (NP_001254479.2, residues 33775-33795): EPSEPTITKE[Asp33785Gly]KTRAMNYDEE